The following is an entry in ClinVar:

NM_001267550.2(TTN):c.74569C>T (p.Gln24857Ter)

Genes: TTN (titin; minus strand), TTN-AS1 (TTN antisense RNA 1; plus strand). Cytogenetic location: 2q31.2.
Variant type: single nucleotide variant.
Coding change: c.74569C>T on transcript NM_001267550.2 (MANE Select); coding-DNA position 74569, C replaced by T.
Protein change: p.Gln24857Ter; replaces glutamine 24857 with a stop codon.
Molecular consequence: nonsense.
Genome position (GRCh38, 1-based): chr2:178,571,563, G>A on the plus strand (C>T on the coding strand, the complement: TTN is on the minus strand). VCF-style: chr2-178571563-G-A. GRCh37 (hg19) VCF-style: chr2-179436290-G-A.
Other names: c.69646C>T, p.Gln23216Ter (NM_001256850.1); c.47374C>T, p.Gln15792Ter (NM_003319.4); c.66865C>T, p.Gln22289Ter (NM_133378.4); c.47749C>T, p.Gln15917Ter (NM_133432.3); c.47950C>T, p.Gln15984Ter (NM_133437.4); short protein forms Q15917*, Q24857*, Q22289*, Q15792*, Q15984*, Q23216*.
Identifiers: ClinVar variation 2945879 (VCV002945879.3), dbSNP rs766557412, ClinGen allele CA349633085.

ClinVar aggregate classification (germline): Likely pathogenic (1 of 4 stars; one submission).

Conditions:
Dilated cardiomyopathy 1G (CMD1G). Identifiers: Orphanet 154, MedGen C1858763, MONDO:0011400, OMIM 604145.
Autosomal recessive limb-girdle muscular dystrophy type 2J (LGMDR10). Also called: Limb-girdle muscular dystrophy, type 2J; MUSCULAR DYSTROPHY, LIMB-GIRDLE, AUTOSOMAL RECESSIVE 10. Identifiers: Orphanet 140922, MedGen C1837342, MONDO:0012127, OMIM 608807.

Submission:

Labcorp Genetics (formerly Invitae), Labcorp
Classification: Likely pathogenic for Dilated cardiomyopathy 1G; Autosomal recessive limb-girdle muscular dystrophy type 2J. Last evaluated: 2023-08-02. Review status: criteria provided, single submitter. Criteria: Invitae Variant Classification Sherloc (09022015). Collection method: clinical testing. Allele origin: germline.
Comment: This sequence change creates a premature translational stop signal (p.Gln24857*) in the TTN gene. While this is not anticipated to result in nonsense mediated decay, it is expected to create a truncated TTN protein. This variant is not present in population databases (gnomAD no frequency). This variant has not been reported in the literature in individuals affected with TTN-related conditions. This variant is located in the A band of TTN (PMID: 25589632). Truncating variants in this region are significantly overrepresented in patients affected with dilated cardiomyopathy (PMID: 25589632). Truncating variants in this region have also been reported in individuals affected with autosomal recessive centronuclear myopathy (PMID: 23975875). In summary, the currently available evidence indicates that the variant is pathogenic, but additional data are needed to prove that conclusively. Therefore, this variant has been classified as Likely Pathogenic.

Literature cited by the submitters: PubMed 25589632; PubMed 23975875.